The following is an entry in ClinVar:

ClinVar aggregate classification (germline): Benign/Likely benign. Review status: criteria provided, multiple submitters, no conflicts (2 of 4 stars). 3 submissions from 3 submitters: Benign (1); Likely benign (2). Last evaluated 2024-07-01.

Conditions:
Hereditary cancer-predisposing syndrome. Also called: Tumor predisposition; Neoplastic Syndromes, Hereditary; Hereditary neoplastic syndrome; Hereditary Cancer Syndrome. Identifiers: Orphanet 140162, MedGen C0027672, MeSH D009386, MONDO:0015356.
Oligodontia-cancer predisposition syndrome. Also called: TOOTH AGENESIS-COLORECTAL CANCER SYNDROME. Identifiers: Orphanet 300576, MedGen C1837750, MONDO:0012075, OMIM 608615. Disease mechanism: loss of function.

Submissions (3):

Myriad Genetics, Inc.
Classification: Benign for Oligodontia-cancer predisposition syndrome. Last evaluated: 2024-07-01. Review status: criteria provided, single submitter. Criteria: Myriad Autosomal Dominant, Autosomal Recessive and X-Linked Classification Criteria (2023). Collection method: clinical testing. Allele origin: unknown.
Comment: This variant is considered benign. This variant is a silent/synonymous amino acid change and it is not expected to impact splicing.

Labcorp Genetics (formerly Invitae), Labcorp
Classification: Likely benign for Oligodontia-cancer predisposition syndrome. Last evaluated: 2022-09-20. Review status: criteria provided, single submitter. Criteria: Invitae Variant Classification Sherloc (09022015). Collection method: clinical testing. Allele origin: germline.

Ambry Genetics
Classification: Likely benign for Hereditary cancer-predisposing syndrome. Last evaluated: 2022-04-01. Review status: criteria provided, single submitter. Criteria: Ambry Variant Classification Scheme 2023. Collection method: clinical testing. Allele origin: germline.

NM_004655.4(AXIN2):c.1065C>T (p.Thr355=)

Gene: AXIN2 (axin 2; minus strand). Cytogenetic location: 17q24.1.
Variant type: single nucleotide variant.
Coding change: c.1065C>T on transcript NM_004655.4 (MANE Select); coding-DNA position 1065, C replaced by T.
Protein change: p.Thr355=; no amino-acid change (threonine 355 retained).
Molecular consequence: synonymous variant.
Genome position (GRCh38, 1-based): chr17:65,538,338, G>A on the plus strand (C>T on the coding strand, the complement: AXIN2 is on the minus strand). VCF-style: chr17-65538338-G-A. GRCh37 (hg19) VCF-style: chr17-63534456-G-A.
Other names: c.1065C>T (LRG_296t1); c.1065C>T, p.Thr355= (NM_001363813.1).
Identifiers: ClinVar variation 415240 (VCV000415240.12), dbSNP rs201451100, ClinGen allele CA16615892.